The following is an entry in ClinVar:

NM_004168.4(SDHA):c.726G>A (p.Gly242=)

Gene: SDHA (succinate dehydrogenase complex flavoprotein subunit A; plus strand). Cytogenetic location: 5p15.33.
Variant type: single nucleotide variant.
Coding change: c.726G>A on transcript NM_004168.4 (MANE Select); coding-DNA position 726, G replaced by A.
Protein change: p.Gly242=; no amino-acid change (glycine 242 retained).
Molecular consequence: synonymous variant.
Genome position (GRCh38, 1-based): chr5:228,289, G>A. VCF-style: chr5-228289-G-A. GRCh37 (hg19) VCF-style: chr5-228404-G-A.
Other names: c.582G>A, p.Gly194= (NM_001294332.2); c.726G>A, p.Gly242= (NM_001330758.2).
Identifiers: ClinVar variation 1650016 (VCV001650016.11), dbSNP rs2126559012, ClinGen allele CA442691371.

ClinVar aggregate classification (germline): Benign/Likely benign. Review status: criteria provided, multiple submitters, no conflicts (2 of 4 stars). 3 submissions from 3 submitters: Benign (1); Likely benign (2). Last evaluated 2025-03-03.

Conditions:
Pheochromocytoma/paraganglioma syndrome 5. Also called: Paragangliomas 5; SDHA-Related Hereditary Paraganglioma-Pheochromocytoma Syndrome. Identifiers: Orphanet 29072, MedGen C3279992, MONDO:0013602, OMIM 614165.
Mitochondrial complex II deficiency, nuclear type 1. Also called: SUCCINATE CoQ REDUCTASE DEFICIENCY. Identifiers: Orphanet 3208, MedGen C5700310, MONDO:0100294, OMIM 252011.
Hereditary cancer-predisposing syndrome. Also called: Tumor predisposition; Hereditary Cancer Syndrome; Hereditary neoplastic syndrome; Neoplastic Syndromes, Hereditary. Identifiers: Orphanet 140162, MedGen C0027672, MeSH D009386, MONDO:0015356.

Allele frequency attached by ClinVar (database versions not stated): gnomAD exomes below 0.00001.
gnomAD v4.1: 1 of 1,613,946 alleles (0.000062%); highest among the groups gnomAD compares: Non-Finnish European, 0.000085%; no homozygotes.

Submissions (3):

Myriad Genetics, Inc.
Classification: Benign for Pheochromocytoma/paraganglioma syndrome 5. Last evaluated: 2025-03-03. Review status: criteria provided, single submitter. Criteria: Myriad Autosomal Dominant, Autosomal Recessive and X-Linked Classification Criteria (2023). Collection method: clinical testing. Allele origin: unknown.
Comment: This variant is considered benign. This variant is a silent/synonymous amino acid change and it is not expected to impact splicing.

Labcorp Genetics (formerly Invitae), Labcorp
Classification: Likely benign for Pheochromocytoma/paraganglioma syndrome 5; Mitochondrial complex II deficiency, nuclear type 1. Last evaluated: 2024-09-26. Review status: criteria provided, single submitter. Criteria: Invitae Variant Classification Sherloc (09022015). Collection method: clinical testing. Allele origin: germline.

Ambry Genetics
Classification: Likely benign for Hereditary cancer-predisposing syndrome. Last evaluated: 2021-12-01. Review status: criteria provided, single submitter. Criteria: Ambry Variant Classification Scheme 2023. Collection method: clinical testing. Allele origin: germline.